The following is an entry in ClinVar:

NM_000169.3(GLA):c.861G>T (p.Trp287Cys)

Genes: GLA (galactosidase alpha; minus strand), RPL36A-HNRNPH2 (RPL36A-HNRNPH2 readthrough; plus strand). Cytogenetic location: Xq22.1.
Variant type: single nucleotide variant.
Coding change: c.861G>T on transcript NM_000169.3 (MANE Select); coding-DNA position 861, G replaced by T.
Protein change: p.Trp287Cys; replaces tryptophan 287 with cysteine.
Molecular consequence: missense variant. On other transcripts: non-coding transcript variant (3), intron variant (2).
Genome position (GRCh38, 1-based): chrX:101,398,508, C>A on the plus strand (G>T on the coding strand, the complement: GLA is on the minus strand). VCF-style: chrX-101398508-C-A. GRCh37 (hg19) VCF-style: chrX-100653496-C-A.
Other names: c.984G>T, p.Trp328Cys (NM_001406747.1); c.861G>T, p.Trp287Cys (NM_001406748.1); c.300+3051C>A (NM_001199973.2); c.177+6686C>A (NM_001199974.2); short protein forms W287C, W328C.
Identifiers: ClinVar variation 496868 (VCV000496868.10), dbSNP rs104894839, ClinGen allele CA413922716.

ClinVar aggregate classification (germline): Pathogenic/Likely pathogenic. Review status: criteria provided, multiple submitters, no conflicts (2 of 4 stars). 3 submissions from 3 submitters: Pathogenic (1); Likely pathogenic (2). Last evaluated 2026-09-08.

Conditions:
Fabry disease. Also called: GLA DEFICIENCY; Fabry's disease; ALPHA-GALACTOSIDASE A DEFICIENCY; ANDERSON-FABRY DISEASE; CERAMIDE TRIHEXOSIDASE DEFICIENCY; Ceramide trihexosidosis. Identifiers: Orphanet 324, MedGen C0002986, MONDO:0010526, OMIM 301500, HP:0001071. Disease mechanism: Fabry disease is due to inactivating mutations in the X-linked GLA gene resulting in deficiency of the enzyme Alpha Galactosidase-A., loss of function.

Submissions (3):

Genomenon, Inc
Classification: Likely pathogenic for Fabry disease. Last evaluated: 2026-09-08. Review status: criteria provided, single submitter. Criteria: Genomenon Sequence Variant Interpretation Standards - Updated. Collection method: curation. Allele origin: germline. Affected: yes.
Comment: GLA p.Trp287Cys (c.861G>T) is a missense variant that changes the amino acid at codon 287 from Tryptophan to Cysteine. This variant has been observed in at least one proband with clinical features consistent with Fabry disease (PMID:16148726;9100224). At least one functional study has demonstrated a substantial alteration in protein function relative to the wild-type (PMID:27657681). It is absent or not present at a significant frequency in gnomAD. In silico models predict that this variant is possibly or probably damaging. In conclusion, we classify GLA p.Trp287Cys (c.861G>T) as a likely pathogenic variant.

Labcorp Genetics (formerly Invitae), Labcorp
Classification: Likely pathogenic for Fabry disease. Last evaluated: 2023-04-15. Review status: criteria provided, single submitter. Criteria: Invitae Variant Classification Sherloc (09022015). Collection method: clinical testing. Allele origin: germline.
Comment: This sequence change replaces tryptophan, which is neutral and slightly polar, with cysteine, which is neutral and slightly polar, at codon 287 of the GLA protein (p.Trp287Cys). Advanced modeling of protein sequence and biophysical properties (such as structural, functional, and spatial information, amino acid conservation, physicochemical variation, residue mobility, and thermodynamic stability) performed at Invitae indicates that this missense variant is expected to disrupt GLA protein function. ClinVar contains an entry for this variant (Variation ID: 496868). This missense change has been observed in individual(s) with Fabry disease (PMID: 10916280, 12428061, 18698230). This variant is not present in population databases (gnomAD no frequency). Experimental studies have shown that this missense change affects GLA function (PMID: 21598360). In summary, the currently available evidence indicates that the variant is pathogenic, but additional data are needed to prove that conclusively. Therefore, this variant has been classified as Likely Pathogenic. This variant disrupts the p.Trp287 amino acid residue in GLA. Other variant(s) that disrupt this residue have been observed in individuals with GLA-related conditions (PMID: 8875188, 32883051), which suggests that this may be a clinically significant amino acid residue.

Eurofins Ntd Llc (ga)
Classification: Pathogenic. Last evaluated: 2017-05-25. Review status: criteria provided, single submitter. Criteria: EGL Classification Definitions 2015. Collection method: clinical testing. Allele origin: germline. Observed: 4 variant alleles, 4 heterozygotes.

Literature cited by the submitters: PubMed 16148726 (cited by Genomenon, Inc); PubMed 9100224 (cited by Genomenon, Inc); PubMed 27657681 (cited by Genomenon, Inc); PubMed 10916280 (cited by Labcorp Genetics (formerly Invitae), Labcorp); PubMed 12428061 (cited by Labcorp Genetics (formerly Invitae), Labcorp); PubMed 18698230 (cited by Labcorp Genetics (formerly Invitae), Labcorp); PubMed 21598360 (cited by Labcorp Genetics (formerly Invitae), Labcorp); PubMed 8875188 (cited by Labcorp Genetics (formerly Invitae), Labcorp); PubMed 32883051 (cited by Labcorp Genetics (formerly Invitae), Labcorp).